The following is an entry in ClinVar:

ClinVar aggregate classification (germline): Benign/Likely benign. Review status: criteria provided, multiple submitters, no conflicts (2 of 4 stars). 6 submissions from 6 submitters: Benign (2); Likely benign (3). 1 of the submissions does not count toward it. Last evaluated 2026-01-28.

Allele frequency attached by ClinVar (database versions not stated): gnomAD exomes 0.00027 and 0.00068; ExAC 0.00082; 1000 Genomes Project 0.00220; ESP Exome Variant Server 0.00277; 1000 Genomes Project 30x 0.00281; gnomAD 0.00289 and 0.00313; TOPMed 0.00320.
gnomAD v4.1: 849 of 1,613,340 alleles (0.053%); highest among the groups gnomAD compares: African/African-American, 1%; 5 homozygotes.

Submissions (6):

Labcorp Genetics (formerly Invitae), Labcorp
Classification: Benign. Last evaluated: 2026-01-28. Review status: criteria provided, single submitter. Criteria: Invitae Variant Classification Sherloc (09022015). Collection method: clinical testing. Allele origin: germline.

Blueprint Genetics
Classification: Likely benign. Last evaluated: 2024-09-04. Review status: criteria provided, single submitter. Criteria: ACMG Guidelines, 2015. Collection method: clinical testing. Allele origin: germline.

CeGaT Center for Human Genetics Tuebingen
Classification: Likely benign. Last evaluated: 2024-07-01. Review status: criteria provided, single submitter. Criteria: CeGaT Center For Human Genetics Tuebingen Variant Classification Criteria Version 2. Collection method: clinical testing. Allele origin: germline. Affected: yes. Observed: 1 variant allele.
Comment: SCP2: BP4, BS2

GeneDx
Classification: Likely benign. Last evaluated: 2020-02-03. Review status: criteria provided, single submitter. Criteria: GeneDx Variant Classification Process June 2021. Collection method: clinical testing. Allele origin: germline. Affected: yes.

Eurofins Ntd Llc (ga)
Classification: Benign. Last evaluated: 2017-02-20. Review status: criteria provided, single submitter. Criteria: EGL Classification Definitions 2015. Collection method: clinical testing. Allele origin: germline. Observed: 1 variant allele, 1 heterozygote.

Mayo Clinic Laboratories, Mayo Clinic
Classification: Likely benign. Last evaluated: 2017-08-17. Review status: no assertion criteria provided. Collection method: clinical testing. Allele origin: unknown. Not counted in ClinVar's aggregate classification.

NM_002979.5(SCP2):c.675-6T>C

Gene: SCP2 (sterol carrier protein 2; plus strand). Cytogenetic location: 1p32.3.
Variant type: single nucleotide variant.
Coding change: c.675-6T>C on transcript NM_002979.5 (MANE Select); 6 bases into the intron before coding-DNA position 675, T replaced by C.
Molecular consequence: intron variant.
Genome position (GRCh38, 1-based): chr1:52,978,211, T>C. VCF-style: chr1-52978211-T-C. GRCh37 (hg19) VCF-style: chr1-53443883-T-C.
Other names: c.543-6T>C (NM_001193600.2, NM_001007098.3); c.603-6T>C (NM_001193599.2); c.432-6T>C (NM_001193617.2); c.675-6T>C (NM_001330587.2).
Identifiers: ClinVar variation 500436 (VCV000500436.35), dbSNP rs115815213, ClinGen allele CA857205.